The following is an entry in ClinVar:

ClinVar aggregate classification (germline): Uncertain significance (1 of 4 stars; one submission).

Conditions:
Familial intrahepatic cholestasis. Identifiers: Orphanet 284385, MedGen CN296401, MONDO:0017290.

gnomAD v4.1: 1 of 1,613,594 alleles (0.000062%); highest among the groups gnomAD compares: Non-Finnish European, 0.000085%; no homozygotes.

Submission:

Genomenon, Inc
Classification: Uncertain significance for Familial intrahepatic cholestasis. Last evaluated: 2026-04-14. Review status: criteria provided, single submitter. Criteria: Genomenon Sequence Variant Interpretation Standards - Updated. Collection method: curation. Allele origin: germline. Affected: no.
Comment: ATP8B1 c.1631-10T>A is an intronic variant located in the acceptor splice region of intron 15. This variant has been reported in the published literature (PMID:24260417). It is absent or not present at a significant frequency in gnomAD. In silico models predict that this variant is possibly or probably damaging. In conclusion, we classify ATP8B1 c.1631-10T>A as a variant of uncertain significance.

Literature cited by the submitters: PubMed 24260417.

NM_001374385.1(ATP8B1):c.1631-10T>A

Gene: ATP8B1 (ATPase phospholipid transporting 8B1; minus strand). Cytogenetic location: 18q21.31.
Variant type: single nucleotide variant.
Coding change: c.1631-10T>A on transcript NM_001374385.1 (MANE Select); 10 bases into the intron before coding-DNA position 1631, T replaced by A.
Molecular consequence: intron variant.
Genome position (GRCh38, 1-based): chr18:57,675,032, A>T on the plus strand (T>A on the coding strand, the complement: ATP8B1 is on the minus strand). VCF-style: chr18-57675032-A-T. GRCh37 (hg19) VCF-style: chr18-55342264-A-T.
Other names: c.1631-10T>A (NM_005603.6); c.1481-10T>A (NM_001374386.1).
Identifiers: ClinVar variation 4845988 (VCV004845988.1).